The following is an entry in ClinVar:

ClinVar aggregate classification (germline): Conflicting classifications of pathogenicity. Review status: criteria provided, conflicting classifications (1 of 4 stars). 4 submissions from 4 submitters: Uncertain significance (3); Likely benign (1). Last evaluated 2024-11-23.

Conditions:
Inborn genetic diseases. Identifiers: MedGen C0950123, MeSH D030342.
Thrombocytopenia 2 (THC2). Also called: ANKRD26-Related Thrombocytopenia. Identifiers: Orphanet 268322, MedGen C1861185, MONDO:0008555, OMIM 188000.

Allele frequency attached by ClinVar (database versions not stated): gnomAD 0.00001; gnomAD exomes 0.00001; TOPMed 0.00002.
gnomAD v4.1: 13 of 1,613,742 alleles (0.00081%); highest among the groups gnomAD compares: East Asian, 0.0067%; no homozygotes.

Submissions (4):

Ambry Genetics
Classification: Uncertain significance for Inborn genetic diseases. Last evaluated: 2024-11-23. Review status: criteria provided, single submitter. Criteria: Ambry Variant Classification Scheme 2023. Collection method: clinical testing. Allele origin: germline.
Comment: The p.N881S variant (also known as c.2642A>G), located in coding exon 23 of the ANKRD26 gene, results from an A to G substitution at nucleotide position 2642. The asparagine at codon 881 is replaced by serine, an amino acid with highly similar properties. This amino acid position is conserved. In addition, this alteration is predicted to be tolerated by in silico analysis. Based on the available evidence, the clinical significance of this variant remains unclear.

GeneDx
Classification: Uncertain significance. Last evaluated: 2023-10-23. Review status: criteria provided, single submitter. Criteria: GeneDx Variant Classification Process June 2021. Collection method: clinical testing. Allele origin: germline. Affected: yes.
Comment: Not observed at significant frequency in large population cohorts (gnomAD); In silico analysis supports that this missense variant does not alter protein structure/function; Has not been previously published as pathogenic or benign to our knowledge

Labcorp Genetics (formerly Invitae), Labcorp
Classification: Uncertain significance. Last evaluated: 2023-08-14. Review status: criteria provided, single submitter. Criteria: Invitae Variant Classification Sherloc (09022015). Collection method: clinical testing. Allele origin: germline.
Comment: This sequence change replaces asparagine, which is neutral and polar, with serine, which is neutral and polar, at codon 881 of the ANKRD26 protein (p.Asn881Ser). This variant is present in population databases (no rsID available, gnomAD 0.01%). This variant has not been reported in the literature in individuals affected with ANKRD26-related conditions. ClinVar contains an entry for this variant (Variation ID: 1185034). Algorithms developed to predict the effect of missense changes on protein structure and function output the following: SIFT: "Not Available"; PolyPhen-2: "Benign"; Align-GVGD: "Not Available". The serine amino acid residue is found in multiple mammalian species, which suggests that this missense change does not adversely affect protein function. In summary, the available evidence is currently insufficient to determine the role of this variant in disease. Therefore, it has been classified as a Variant of Uncertain Significance.

Johns Hopkins Genomics, Johns Hopkins University
Classification: Likely benign for Thrombocytopenia 2. Last evaluated: 2021-06-21. Review status: criteria provided, single submitter. Criteria: ACMG Guidelines, 2015. Collection method: clinical testing. Allele origin: germline.

NM_014915.3(ANKRD26):c.2642A>G (p.Asn881Ser)

Gene: ANKRD26 (ankyrin repeat domain 26; minus strand). Cytogenetic location: 10p12.1.
Variant type: single nucleotide variant.
Coding change: c.2642A>G on transcript NM_014915.3 (MANE Select); coding-DNA position 2642, A replaced by G.
Protein change: p.Asn881Ser; replaces asparagine 881 with serine.
Molecular consequence: missense variant.
Genome position (GRCh38, 1-based): chr10:27,037,241, T>C on the plus strand (A>G on the coding strand, the complement: ANKRD26 is on the minus strand). VCF-style: chr10-27037241-T-C. GRCh37 (hg19) VCF-style: chr10-27326170-T-C.
Other names: c.2639A>G, p.Asn880Ser (NM_001256053.2); short protein forms N880S, N881S.
Identifiers: ClinVar variation 1185034 (VCV001185034.7), dbSNP rs926871139, ClinGen allele CA204450539.